The following is an entry in ClinVar:

NM_173500.4(TTBK2):c.822+214T>G

Gene: TTBK2 (tau tubulin kinase 2; minus strand). Cytogenetic location: 15q15.2.
Variant type: single nucleotide variant.
Coding change: c.822+214T>G on transcript NM_173500.4 (MANE Select); 214 bases into the intron after coding-DNA position 822, T replaced by G.
Molecular consequence: intron variant.
Genome position (GRCh38, 1-based): chr15:42,810,400, A>C on the plus strand (T>G on the coding strand, the complement: TTBK2 is on the minus strand). VCF-style: chr15-42810400-A-C. GRCh37 (hg19) VCF-style: chr15-43102598-A-C.
Identifiers: ClinVar variation 1700428 (VCV001700428.2), dbSNP rs184139214, ClinGen allele CA269911608.

ClinVar aggregate classification (germline): Likely benign (1 of 4 stars; one submission).

Allele frequency attached by ClinVar (database versions not stated): 1000 Genomes Project 0.00559; 1000 Genomes Project 30x 0.00562; gnomAD 0.00632 and 0.00668; TOPMed 0.00691.
gnomAD v4.1: 955 of 152,304 alleles (0.63%); highest among the groups gnomAD compares: African/African-American, 2.2%; 16 homozygotes.

Submission:

GeneDx
Classification: Likely benign. Last evaluated: 2022-02-08. Review status: criteria provided, single submitter. Criteria: GeneDx Variant Classification Process June 2021. Collection method: clinical testing. Allele origin: germline. Affected: yes.
Comment: See Variant Classification Assertion Criteria.